The following is an entry in ClinVar:

ClinVar aggregate classification (germline): Uncertain significance (1 of 4 stars; one submission).

Submission:

Mayo Clinic Laboratories, Mayo Clinic
Classification: Uncertain significance. Last evaluated: 2025-09-15. Review status: criteria provided, single submitter. Criteria: ACMG Guidelines, 2015. Collection method: clinical testing. Allele origin: germline. Observed: 1 variant allele.
Comment: PM2_supporting

NM_015965.7(NDUFA13):c.322G>C (p.Glu108Gln)

Gene: NDUFA13 (NADH:ubiquinone oxidoreductase subunit A13; plus strand). Cytogenetic location: 19p13.11.
Variant type: single nucleotide variant.
Coding change: c.322G>C on transcript NM_015965.7 (MANE Select); coding-DNA position 322, G replaced by C.
Protein change: p.Glu108Gln; replaces glutamic acid 108 with glutamine.
Molecular consequence: missense variant.
Genome position (GRCh38, 1-based): chr19:19,528,013, G>C. VCF-style: chr19-19528013-G-C. GRCh37 (hg19) VCF-style: chr19-19638822-G-C.
Other names: p.Glu108Gln; short protein forms E108Q.
Identifiers: ClinVar variation 4542337 (VCV004542337.1).